The following is an entry in ClinVar:

NM_001130438.3(SPTAN1):c.4774-18T>A

Gene: SPTAN1 (spectrin alpha, non-erythrocytic 1; plus strand). Cytogenetic location: 9q34.11.
Variant type: single nucleotide variant.
Coding change: c.4774-18T>A on transcript NM_001130438.3 (MANE Select); 18 bases into the intron before coding-DNA position 4774, T replaced by A.
Molecular consequence: intron variant.
Genome position (GRCh38, 1-based): chr9:128,611,696, T>A. VCF-style: chr9-128611696-T-A. GRCh37 (hg19) VCF-style: chr9-131373975-T-A.
Other names: c.4774-18T>A (NM_001363759.2); c.4759-18T>A (NM_003127.4); c.4714-18T>A (NM_001363765.2); c.4699-18T>A (NM_001195532.2).
Identifiers: ClinVar variation 516699 (VCV000516699.9), dbSNP rs534497861, ClinGen allele CA5265298.

ClinVar aggregate classification (germline): Likely benign. Review status: criteria provided, multiple submitters, no conflicts (2 of 4 stars). 2 submissions from 2 submitters: Likely benign (2). Last evaluated 2026-01-20.

Conditions:
Early-infantile DEE. Also called: Early infantile epileptic encephalopathy; Ohtahara syndrome; Early infantile epileptic encephalopathy with suppression bursts. Identifiers: Orphanet 1934, MedGen C0393706, MONDO:0800491.

Allele frequency attached by ClinVar (database versions not stated): gnomAD exomes 0.00002 and 0.00003; ExAC 0.00004; gnomAD 0.00010 and 0.00012; TOPMed 0.00011.
gnomAD v4.1: 41 of 1,612,902 alleles (0.0025%); highest among the groups gnomAD compares: African/African-American, 0.025%; no homozygotes.

Submissions (2):

Labcorp Genetics (formerly Invitae), Labcorp
Classification: Likely benign for Early-infantile DEE. Last evaluated: 2026-01-20. Review status: criteria provided, single submitter. Criteria: Invitae Variant Classification Sherloc (09022015). Collection method: clinical testing. Allele origin: germline.

GeneDx
Classification: Likely benign. Last evaluated: 2018-01-11. Review status: criteria provided, single submitter. Criteria: GeneDx Variant Classification (06012015). Collection method: clinical testing. Allele origin: germline. Affected: yes.
Comment: This variant is considered likely benign or benign based on one or more of the following criteria: it is a conservative change, it occurs at a poorly conserved position in the protein, it is predicted to be benign by multiple in silico algorithms, and/or has population frequency not consistent with disease.